The following is an entry in ClinVar:

NM_005035.4(POLRMT):c.3643+7G>C

Gene: POLRMT (RNA polymerase mitochondrial; minus strand). Cytogenetic location: 19p13.3.
Variant type: single nucleotide variant.
Coding change: c.3643+7G>C on transcript NM_005035.4 (MANE Select); 7 bases into the intron after coding-DNA position 3643, G replaced by C.
Molecular consequence: intron variant.
Genome position (GRCh38, 1-based): chr19:617,412, C>G on the plus strand (G>C on the coding strand, the complement: POLRMT is on the minus strand). VCF-style: chr19-617412-C-G. GRCh37 (hg19) VCF-style: chr19-617412-C-G.
Other names: c.3601+7G>C (NM_001407813.1); c.3622+7G>C (NM_001407811.1); c.3631+7G>C (NM_001407810.1); c.3652+7G>C (NM_001407807.1, NM_001407808.1); c.3634+7G>C (NM_001407809.1); c.3655+7G>C (NM_001407806.1); c.3319+7G>C (NM_001407832.1, NM_001407833.1); c.3418+7G>C (NM_001407830.1); and 10 more.
Identifiers: ClinVar variation 3629708 (VCV003629708.1).

ClinVar aggregate classification (germline): Uncertain significance (1 of 4 stars; one submission).

gnomAD v4.1: 5 of 1,612,200 alleles (0.00031%); highest among the groups gnomAD compares: African/African-American, 0.0053%; no homozygotes.

Submission:

Women's Health and Genetics/Laboratory Corporation of America, LabCorp
Classification: Uncertain significance. Last evaluated: 2024-11-11. Review status: criteria provided, single submitter. Criteria: LabCorp Variant Classification Summary - May 2015. Collection method: clinical testing. Allele origin: germline.
Comment: Variant summary: POLRMT c.3643+7G>C alters a non-conserved nucleotide located close to a canonical splice site and therefore could affect mRNA splicing, leading to a significantly altered protein sequence. Consensus agreement among computation tools predict no significant impact on normal splicing. However, these predictions have yet to be confirmed by functional studies. The variant allele was found at a frequency of 3.1e-06 in 1612200 control chromosomes. The available data on variant occurrences in the general population are insufficient to allow any conclusion about variant significance. To our knowledge, no occurrence of c.3643+7G>C in individuals affected with Combined Oxidative Phosphorylation Deficiency 55 and no experimental evidence demonstrating its impact on protein function have been reported. No submitters have cited clinical-significance assessments for this variant to ClinVar. Based on the evidence outlined above, the variant was classified as uncertain significance.